The following is an entry in ClinVar:

ClinVar aggregate classification (germline): Uncertain significance. Review status: criteria provided, multiple submitters, no conflicts (2 of 4 stars). 3 submissions from 3 submitters: Uncertain significance (3). Last evaluated 2025-09-01.

Conditions:
Catecholaminergic polymorphic ventricular tachycardia (CVPT). Also called: Catecholamine-induced polymorphic ventricular tachycardia. Identifiers: Orphanet 3286, MedGen C5574922, MONDO:0017990.
Catecholaminergic polymorphic ventricular tachycardia 1. Also called: VENTRICULAR TACHYCARDIA, CATECHOLAMINERGIC POLYMORPHIC, 1, WITH OR WITHOUT ATRIAL DYSFUNCTION AND/OR DILATED CARDIOMYOPATHY; VENTRICULAR TACHYCARDIA, STRESS-INDUCED POLYMORPHIC 1; RYR2-Related Catecholaminergic Polymorphic Ventricular Tachycardia. Identifiers: Orphanet 3286, MedGen C1631597, MONDO:0011484, OMIM 604772.
Cardiomyopathy (CMYO). Also called: Cardiomyopathies. Identifiers: Orphanet 167848, MedGen C0878544, MONDO:0004994, HP:0001638. Inheritance: Various modes of inheritance.

gnomAD v4.1: 25 of 1,613,220 alleles (0.0015%); highest among the groups gnomAD compares: Non-Finnish European, 0.0021%; no homozygotes.

Submissions (3):

Labcorp Genetics (formerly Invitae), Labcorp
Classification: Uncertain significance for Catecholaminergic polymorphic ventricular tachycardia 1. Last evaluated: 2025-09-01. Review status: criteria provided, single submitter. Criteria: Invitae Variant Classification Sherloc (09022015). Collection method: clinical testing. Allele origin: germline.
Comment: This sequence change falls in intron 16 of the RYR2 gene. It does not directly change the encoded amino acid sequence of the RYR2 protein. It affects a nucleotide within the consensus splice site. This variant is present in population databases (no rsID available, gnomAD 0.0009%). This variant has not been reported in the literature in individuals affected with RYR2-related conditions. ClinVar contains an entry for this variant (Variation ID: 3385673). Variants that disrupt the consensus splice site are a relatively common cause of aberrant splicing (PMID: 17576681, 9536098). Algorithms developed to predict the effect of sequence changes on RNA splicing suggest that this variant is not likely to affect RNA splicing. In summary, the available evidence is currently insufficient to determine the role of this variant in disease. Therefore, it has been classified as a Variant of Uncertain Significance.

All of Us Research Program, National Institutes of Health
Classification: Uncertain significance for Catecholaminergic polymorphic ventricular tachycardia. Last evaluated: 2024-04-16. Review status: criteria provided, single submitter. Criteria: ACMG Guidelines, 2015. Collection method: clinical testing. Allele origin: germline. Inheritance: Autosomal dominant inheritance. Observed: 1 variant allele, 1 heterozygote.
Comment: This variant causes an A to T nucleotide substitution at the +6 position of intron 16 of the RYR2 gene. To our knowledge, functional studies have not been reported for this variant. This variant has not been reported in individuals affected with RYR2-related disorders in the literature. This variant has not been identified in the general population by the Genome Aggregation Database (gnomAD). The available evidence is insufficient to determine the role of this variant in disease conclusively. Therefore, this variant is classified as a Variant of Uncertain Significance.

This study involves interpretation of variants in research participants for the purpose of population health screening. Participant phenotype was not available at the time of variant classification. Additional details can be found in publication PMID: 35346344, PMCID: PMC8962531

Color Diagnostics, LLC DBA Color Health
Classification: Uncertain significance for Cardiomyopathy. Last evaluated: 2024-03-21. Review status: criteria provided, single submitter. Criteria: ACMG Guidelines, 2015. Collection method: clinical testing. Allele origin: germline.
Comment: This variant causes an A to T nucleotide substitution at the +6 position of intron 16 of the RYR2 gene. To our knowledge, functional studies have not been reported for this variant. This variant has not been reported in individuals affected with RYR2-related disorders in the literature. This variant has not been identified in the general population by the Genome Aggregation Database (gnomAD). The available evidence is insufficient to determine the role of this variant in disease conclusively. Therefore, this variant is classified as a Variant of Uncertain Significance.

Literature cited by the submitters: PubMed 17576681 (cited by Labcorp Genetics (formerly Invitae), Labcorp); PubMed 9536098 (cited by Labcorp Genetics (formerly Invitae), Labcorp).

NM_001035.3(RYR2):c.1612+6A>T

Gene: RYR2 (ryanodine receptor 2; plus strand). Cytogenetic location: 1q43.
Variant type: single nucleotide variant.
Coding change: c.1612+6A>T on transcript NM_001035.3 (MANE Select); 6 bases into the intron after coding-DNA position 1612, A replaced by T.
Molecular consequence: intron variant.
Genome position (GRCh38, 1-based): chr1:237,456,741, A>T. VCF-style: chr1-237456741-A-T. GRCh37 (hg19) VCF-style: chr1-237620041-A-T.
Identifiers: ClinVar variation 3385673 (VCV003385673.3).